The following is an entry in ClinVar:

NM_145331.3(MAP3K7):c.226G>A (p.Val76Ile)

Gene: MAP3K7 (mitogen-activated protein kinase kinase kinase 7; minus strand). Cytogenetic location: 6q15.
Variant type: single nucleotide variant.
Coding change: c.226G>A on transcript NM_145331.3 (MANE Select); coding-DNA position 226, G replaced by A.
Protein change: p.Val76Ile; replaces valine 76 with isoleucine.
Molecular consequence: missense variant.
Genome position (GRCh38, 1-based): chr6:90,571,702, C>T on the plus strand (G>A on the coding strand, the complement: MAP3K7 is on the minus strand). VCF-style: chr6-90571702-C-T. GRCh37 (hg19) VCF-style: chr6-91281421-C-T.
Other names: c.226G>A, p.Val76Ile (NM_003188.4, NM_145332.3, NM_145333.3); short protein forms V76I.
Identifiers: ClinVar variation 1302191 (VCV001302191.2), dbSNP rs762124152, ClinGen allele CA3928724.
Genomic context (GRCh38, chr6:90,571,702, plus strand): 5'-TTCACAGAGTATCTTAAGTGCAGAACTACACAAAAGAAATGAAATCTCAACTTACCTCTA[C>T]AATAAACGCTTTCCTCTCAGATTCACTTTCTATTTGTTTAATAGCAACATCTTTTGCTCT-3'
Protein context (NP_663304.1, residues 66-86): ESESERKAFI[Val76Ile]ELRQLSRVNH

ClinVar aggregate classification (germline): Uncertain significance (1 of 4 stars; one submission).

Allele frequency attached by ClinVar (database versions not stated): gnomAD exomes below 0.00001 and 0.00001; ExAC 0.00001; gnomAD 0.00001; TOPMed 0.00001.

Submission:

GeneDx
Classification: Uncertain significance. Last evaluated: 2019-07-26. Review status: criteria provided, single submitter. Criteria: GeneDx Variant Classification Process June 2021. Collection method: clinical testing. Allele origin: germline. Affected: yes.
Comment: In silico analysis, which includes protein predictors and evolutionary conservation, supports that this variant does not alter protein structure/function; Has not been previously published as pathogenic or benign to our knowledge